The following is an entry in ClinVar:

ClinVar aggregate classification (germline): Pathogenic/Likely pathogenic. Review status: criteria provided, multiple submitters, no conflicts (2 of 4 stars). 6 submissions from 6 submitters: Pathogenic (3); Likely pathogenic (2). 1 of the submissions does not count toward it. Last evaluated 2024-10-10.

Conditions:
KLF7-related disorder.
Inborn genetic diseases. Identifiers: MedGen C0950123, MeSH D030342.
intellectual deficiency. Identifiers: MedGen CN228659.
Neurodevelopmental disorder. Identifiers: MedGen C1535926, MeSH D065886, MONDO:0700092.

Submissions (6):

Victorian Clinical Genetics Services, Murdoch Childrens Research Institute
Classification: Pathogenic for Neurodevelopmental disorder. Last evaluated: 2024-10-10. Review status: criteria provided, single submitter. Criteria: ACMG Guidelines, 2015. Collection method: clinical testing. Allele origin: germline. Inheritance: Autosomal dominant inheritance. Affected: yes.
Comment: Based on the classification scheme VCGS_Germline_v1.3.5, this variant is classified as Pathogenic. Following criteria are met: 0105 - The mechanism of disease for this gene is not clearly established. Mice deficient in KLF7 had neonatal death and and widespread neurological defects suggesting loss of function, while missense variants at important residues in the CPD motif were show to create a more stable protein that could not be phosphorylated or ubiquitylated suggesting gain of function (PMID: 30838725). (I) 0107 - This gene is associated with autosomal dominant disease. (I) 0200 - Variant is predicted to result in a missense amino acid change from aspartic acid to asparagine. (I) 0251 - This variant is heterozygous. (I) 0301 - Variant is absent from gnomAD (v2, v3 and v4). (SP) 0502 - Missense variant with conflicting in silico predictions and uninformative conservation. (I) 0603 - Missense variant in a region that is highly intolerant to missense variation (high constraint region in DECIPHER). (SP) 0705 - No comparable missense variants have previous evidence for pathogenicity. (I) 0801 - This variant has strong previous evidence of pathogenicity in unrelated individuals. This variant has been reported in many de novo individuals with KLF7-related disorder (ClinVar, PMID: 29251763, 33875846, 36835410). Additional pathogenic and VUS cases have also been reported in ClinVar. (SP) 0905 - No published segregation evidence has been identified for this variant. (I) 1007 - No published functional evidence has been identified for this variant. (SP) Legend: (SP) - Supporting pathogenic, (I) - Information, (SB) - Supporting benign

Blueprint Genetics
Classification: Likely pathogenic for KLF7-related disorders. Last evaluated: 2024-07-18. Review status: criteria provided, single submitter. Criteria: ACMG Guidelines, 2015. Collection method: clinical testing. Allele origin: germline. Affected: yes. Observed: 1 variant allele.

Ambry Genetics
Classification: Pathogenic for Inborn genetic diseases. Last evaluated: 2023-07-05. Review status: criteria provided, single submitter. Criteria: Ambry Variant Classification Scheme 2023. Collection method: clinical testing. Allele origin: germline.
Comment: The c.790G>A (p.D264N) alteration is located in exon 3 (coding exon 3) of the KLF7 gene. This alteration results from a G to A substitution at nucleotide position 790, causing the aspartic acid (D) at amino acid position 264 to be replaced by an asparagine (N). This variant was not reported in population-based cohorts in the Genome Aggregation Database (gnomAD). This variant has been determined to be the result of a de novo mutation in multiple individuals with features consistent with KLF7-related neurodevelopmental disorder (Powis, 2018, Bertoli-Avella, 2021, Lumaka, 2023). This amino acid position is highly conserved in available vertebrate species. This missense alteration is located in a region that has a low rate of benign missense variation (Lek, 2016; Firth, 2009). This alteration is predicted to be tolerated by in silico analysis. Based on the available evidence, this alteration is classified as pathogenic.

Institute of Medical Genetics and Applied Genomics, University Hospital Tübingen
Classification: Pathogenic. Last evaluated: 2020-10-23. Review status: criteria provided, single submitter. Criteria: ACMG Guidelines, 2015. Collection method: clinical testing. Allele origin: germline. Inheritance: Unknown mechanism. Affected: yes.

Undiagnosed Diseases Network, NIH
Classification: Likely pathogenic for KLF7-related disorder. Last evaluated: 2019-03-25. Review status: criteria provided, single submitter. Criteria: ACMG Guidelines, 2015. Collection method: clinical testing. Allele origin: de novo. Inheritance: Autosomal dominant inheritance. Affected: yes. Observed: 1 variant allele, 1 heterozygote.

Laboratory of Molecular Genetics, CHU Rennes
Classification: Uncertain significance for Intellectual deficiency. Review status: no assertion criteria provided. Collection method: clinical testing. Allele origin: de novo. Affected: yes. Not counted in ClinVar's aggregate classification.

Literature cited by the submitters: PubMed 29251763 (cited by Victorian Clinical Genetics Services, Murdoch Childrens Research Institute and Ambry Genetics); PubMed 30838725 (cited by Victorian Clinical Genetics Services, Murdoch Childrens Research Institute); PubMed 33875846 (cited by Victorian Clinical Genetics Services, Murdoch Childrens Research Institute and Ambry Genetics); PubMed 36835410 (cited by Victorian Clinical Genetics Services, Murdoch Childrens Research Institute and Ambry Genetics).

NM_003709.4(KLF7):c.790G>A (p.Asp264Asn)

Gene: KLF7 (KLF transcription factor 7; minus strand). Cytogenetic location: 2q33.3.
Variant type: single nucleotide variant.
Coding change: c.790G>A on transcript NM_003709.4 (MANE Select); coding-DNA position 790, G replaced by A.
Protein change: p.Asp264Asn; replaces aspartic acid 264 with asparagine.
Molecular consequence: missense variant. On other transcripts: synonymous variant (1), non-coding transcript variant (1).
Genome position (GRCh38, 1-based): chr2:207,088,525, C>T on the plus strand (G>A on the coding strand, the complement: KLF7 is on the minus strand). VCF-style: chr2-207088525-C-T. GRCh37 (hg19) VCF-style: chr2-207953249-C-T.
Other names: c.588G>A, p.Ala196= (NM_001270942.1); c.691G>A, p.Asp231Asn (NM_001270943.2); c.706G>A, p.Asp236Asn (NM_001270944.2); c.790G>A (NM_003709.2); short protein forms D264N, D236N, D231N.
Identifiers: ClinVar variation 374233 (VCV000374233.12), dbSNP rs1057518995, ClinGen allele CA16043610.
Genomic context (GRCh38, chr2:207,088,525, plus strand): 5'-AGTGGTTGCATTTGAAGGGCTTTGCACCTGTGTGTTTCCTGTAGTGCCTCGTGAGCTCAT[C>T]GCTTCGTGCAAAACGCCACTCACATCCCTCCCATGAGCACTTATAAGGCTTCTCACCTGC-3'
Protein context (NP_003700.1, residues 254-274): EGCEWRFARS[Asp264Asn]ELTRHYRKHT